The following is an entry in ClinVar:

ClinVar aggregate classification (germline): Uncertain significance (0 of 4 stars; one submission).

Conditions:
Breast ductal adenocarcinoma. Also called: Ductal breast carcinoma; Breast cancer, invasive ductal. Identifiers: MedGen C1527349, MONDO:0005590.

Submission:

Next Generation Diagnostics, Novartis Institutes for BioMedical Research, Inc.
Classification: Uncertain significance for Breast ductal adenocarcinoma. Last evaluated: 2015-07-20. Review status: no assertion criteria provided. Collection method: research. Allele origin: somatic. Affected: yes.
Comment: Loss of heterozygosity

chr20:60885242-61929348 complex variant

Genes: ARFGAP1 (ARF GTPase activating protein 1; plus strand), BHLHE23 (basic helix-loop-helix family member e23; minus strand), BIRC7 (baculoviral IAP repeat containing 7; plus strand), CABLES2 (Cdk5 and Abl enzyme substrate 2; minus strand), COL20A1 (collagen type XX alpha 1 chain; plus strand) and 20 more. Cytogenetic location: 20q13.33.
Variant type: Complex.
Identifiers: ClinVar variation 221355 (VCV000221355.2).